The following is an entry in ClinVar:

NM_020297.4(ABCC9):c.3091G>T (p.Asp1031Tyr)

Gene: ABCC9 (ATP binding cassette subfamily C member 9; minus strand). Cytogenetic location: 12p12.1.
Variant type: single nucleotide variant.
Coding change: c.3091G>T on transcript NM_020297.4 (MANE Select); coding-DNA position 3091, G replaced by T.
Protein change: p.Asp1031Tyr; replaces aspartic acid 1031 with tyrosine.
Molecular consequence: missense variant.
Genome position (GRCh38, 1-based): chr12:21,845,608, C>A on the plus strand (G>T on the coding strand, the complement: ABCC9 is on the minus strand). VCF-style: chr12-21845608-C-A. GRCh37 (hg19) VCF-style: chr12-21998542-C-A.
Other names: c.3091G>T, p.Asp1031Tyr (NM_005691.4, NM_001377273.1); c.2224G>T, p.Asp742Tyr (NM_001377274.1); short protein forms D742Y, D1031Y.
Identifiers: ClinVar variation 2767041 (VCV002767041.3), dbSNP rs1944620755, ClinGen allele CA384119173.

ClinVar aggregate classification (germline): Uncertain significance (1 of 4 stars; one submission).

Conditions:
Dilated cardiomyopathy 1O (CMD1O). Also called: CARDIOMYOPATHY, DILATED, WITH VENTRICULAR TACHYCARDIA. Identifiers: Orphanet 154, MedGen C1837839, MONDO:0012062, OMIM 608569.

Submission:

Labcorp Genetics (formerly Invitae), Labcorp
Classification: Uncertain significance for Dilated cardiomyopathy 1O. Last evaluated: 2023-10-09. Review status: criteria provided, single submitter. Criteria: Invitae Variant Classification Sherloc (09022015). Collection method: clinical testing. Allele origin: germline.
Comment: This sequence change replaces aspartic acid, which is acidic and polar, with tyrosine, which is neutral and polar, at codon 1031 of the ABCC9 protein (p.Asp1031Tyr). This variant is not present in population databases (gnomAD no frequency). This variant has not been reported in the literature in individuals affected with ABCC9-related conditions. Advanced modeling of protein sequence and biophysical properties (such as structural, functional, and spatial information, amino acid conservation, physicochemical variation, residue mobility, and thermodynamic stability) performed at Invitae indicates that this missense variant is not expected to disrupt ABCC9 protein function. In summary, the available evidence is currently insufficient to determine the role of this variant in disease. Therefore, it has been classified as a Variant of Uncertain Significance.